The following is an entry in ClinVar:

ClinVar aggregate classification (germline): Uncertain significance. Review status: criteria provided, multiple submitters, no conflicts (2 of 4 stars). 2 submissions from 2 submitters: Uncertain significance (2). Last evaluated 2025-10-18.

Conditions:
Inborn genetic diseases. Identifiers: MedGen C0950123, MeSH D030342.

gnomAD v4.1: 1 of 1,613,034 alleles (0.000062%); highest among the groups gnomAD compares: Admixed American, 0.0017%; no homozygotes.

Submissions (2):

Ambry Genetics
Classification: Uncertain significance for Inborn genetic diseases. Last evaluated: 2025-10-18. Review status: criteria provided, single submitter. Criteria: Ambry Variant Classification Scheme 2023. Collection method: clinical testing. Allele origin: germline.

Labcorp Genetics (formerly Invitae), Labcorp
Classification: Uncertain significance. Last evaluated: 2024-09-25. Review status: criteria provided, single submitter. Criteria: Invitae Variant Classification Sherloc (09022015). Collection method: clinical testing. Allele origin: germline.
Comment: This sequence change replaces glycine, which is neutral and non-polar, with serine, which is neutral and polar, at codon 517 of the NACC1 protein (p.Gly517Ser). This variant is present in population databases (no rsID available, gnomAD 0.003%). This variant has not been reported in the literature in individuals affected with NACC1-related conditions. Invitae Evidence Modeling of protein sequence and biophysical properties (such as structural, functional, and spatial information, amino acid conservation, physicochemical variation, residue mobility, and thermodynamic stability) indicates that this missense variant is not expected to disrupt NACC1 protein function with a negative predictive value of 80%. In summary, the available evidence is currently insufficient to determine the role of this variant in disease. Therefore, it has been classified as a Variant of Uncertain Significance.

NM_052876.4(NACC1):c.1549G>A (p.Gly517Ser)

Gene: NACC1 (nucleus accumbens associated 1; plus strand). Cytogenetic location: 19p13.13.
Variant type: single nucleotide variant.
Coding change: c.1549G>A on transcript NM_052876.4 (MANE Select); coding-DNA position 1549, G replaced by A.
Protein change: p.Gly517Ser; replaces glycine 517 with serine.
Molecular consequence: missense variant.
Genome position (GRCh38, 1-based): chr19:13,138,371, G>A. VCF-style: chr19-13138371-G-A. GRCh37 (hg19) VCF-style: chr19-13249185-G-A.
Other names: c.1549G>A (NM_052876.2); short protein forms G517S.
Identifiers: ClinVar variation 3626680 (VCV003626680.3).